The following is an entry in ClinVar:

NM_015570.4(AUTS2):c.2846T>C (p.Val949Ala)

Gene: AUTS2 (activator of transcription and developmental regulator AUTS2; plus strand). Cytogenetic location: 7q11.22.
Variant type: single nucleotide variant.
Coding change: c.2846T>C on transcript NM_015570.4 (MANE Select); coding-DNA position 2846, T replaced by C.
Protein change: p.Val949Ala; replaces valine 949 with alanine.
Molecular consequence: missense variant.
Genome position (GRCh38, 1-based): chr7:70,790,062, T>C. VCF-style: chr7-70790062-T-C. GRCh37 (hg19) VCF-style: chr7-70255048-T-C.
Other names: c.2774T>C, p.Val925Ala (NM_001127231.3); short protein forms V949A, V925A.
Identifiers: ClinVar variation 4978353 (VCV004978353.1).
Genomic context (GRCh38, chr7:70,790,062, plus strand): 5'-CGGGCGAAGAGGCCAAGCAGCTGGCCCGGGTGCCGTCTCCCTACGTGCGGACCCCGGTGG[T>C]GGAGAGTGCCAGGCCCAACAGCACCTCGAGCCGGGAGGCCGAGCCGCGCAAGGGTGAGCC-3'
Protein context (NP_056385.1, residues 939-959): VPSPYVRTPV[Val949Ala]ESARPNSTSS

ClinVar aggregate classification (germline): Uncertain significance (1 of 4 stars; one submission).

Conditions:
AUTS2-related disorder. Also called: AUTS2-related condition.

gnomAD v4.1: 2 of 1,576,608 alleles (0.00013%); highest among the groups gnomAD compares: African/African-American, 0.0027%; no homozygotes.

Submission:

PreventionGenetics, part of Exact Sciences
Classification: Uncertain significance for AUTS2-related condition. Last evaluated: 2024-11-11. Review status: criteria provided, single submitter. Criteria: ACMG Guidelines, 2015. Collection method: clinical testing. Allele origin: germline.
Comment: The AUTS2 c.2846T>C variant is predicted to result in the amino acid substitution p.Val949Ala. To our knowledge, this variant has not been reported in the literature or in a large population database (gnomAD), indicating this variant is rare. At this time, the clinical significance of this variant is uncertain due to the absence of conclusive functional and genetic evidence.